The following is an entry in ClinVar:

ClinVar aggregate classification (germline): Likely benign (1 of 4 stars; one submission).

Submission:

CeGaT Center for Human Genetics Tuebingen
Classification: Likely benign. Last evaluated: 2023-11-01. Review status: criteria provided, single submitter. Criteria: CeGaT Center For Human Genetics Tuebingen Variant Classification Criteria Version 2. Collection method: clinical testing. Allele origin: germline. Affected: yes. Observed: 1 variant allele.
Comment: MUC22: BP4, BP7

NM_001395414.1(MUC22):c.3351A>C (p.Thr1117=)

Gene: MUC22 (mucin 22; plus strand). Cytogenetic location: 6p21.33.
Variant type: single nucleotide variant.
Coding change: c.3351A>C on transcript NM_001395414.1 (MANE Select); coding-DNA position 3351, A replaced by C.
Protein change: p.Thr1117=; no amino-acid change (threonine 1117 retained).
Molecular consequence: synonymous variant.
Genome position (GRCh38, 1-based): chr6:31,028,782, A>C. VCF-style: chr6-31028782-A-C. GRCh37 (hg19) VCF-style: chr6-30996559-A-C.
Other names: c.3351A>C, p.Thr1117= (NM_001198815.1); c.3360A>C, p.Thr1120= (NM_001318484.1, NM_001322469.1).
Identifiers: ClinVar variation 2673048 (VCV002673048.23), dbSNP rs2539043380, ClinGen allele CA449785146.